The following is an entry in ClinVar:

ClinVar aggregate classification (germline): Uncertain significance (1 of 4 stars; one submission).

Conditions:
Hereditary cancer-predisposing syndrome. Also called: Neoplastic Syndromes, Hereditary; Tumor predisposition; Hereditary Cancer Syndrome; Hereditary neoplastic syndrome. Identifiers: Orphanet 140162, MedGen C0027672, MeSH D009386, MONDO:0015356.

Submission:

Ambry Genetics
Classification: Uncertain significance for Hereditary cancer-predisposing syndrome. Last evaluated: 2025-11-24. Review status: criteria provided, single submitter. Criteria: Ambry Variant Classification Scheme 2023. Collection method: clinical testing. Allele origin: germline.
Comment: The p.L708P variant (also known as c.2123T>C), located in coding exon 14 of the NBN gene, results from a T to C substitution at nucleotide position 2123. The leucine at codon 708 is replaced by proline, an amino acid with similar properties. This amino acid position is conserved. In addition, this alteration is predicted to be deleterious by in silico analysis. Based on the available evidence, the clinical significance of this variant remains unclear.

NM_002485.5(NBN):c.2123T>C (p.Leu708Pro)

Gene: NBN (nibrin; minus strand). Cytogenetic location: 8q21.3.
Variant type: single nucleotide variant.
Coding change: c.2123T>C on transcript NM_002485.5 (MANE Select); coding-DNA position 2123, T replaced by C.
Protein change: p.Leu708Pro; replaces leucine 708 with proline.
Molecular consequence: missense variant.
Genome position (GRCh38, 1-based): chr8:89,943,314, A>G on the plus strand (T>C on the coding strand, the complement: NBN is on the minus strand). VCF-style: chr8-89943314-A-G. GRCh37 (hg19) VCF-style: chr8-90955542-A-G.
Other names: c.1877T>C, p.Leu626Pro (NM_001024688.3, NM_001440379.1, NM_001440380.1); short protein forms L708P, L626P.
Identifiers: ClinVar variation 4660726 (VCV004660726.1).